The following is an entry in ClinVar:

NM_001844.5(COL2A1):c.1790G>A (p.Gly597Glu)

Gene: COL2A1 (collagen type II alpha 1 chain; minus strand). Cytogenetic location: 12q13.11.
Variant type: single nucleotide variant.
Coding change: c.1790G>A on transcript NM_001844.5 (MANE Select); coding-DNA position 1790, G replaced by A.
Protein change: p.Gly597Glu; replaces glycine 597 with glutamic acid.
Molecular consequence: missense variant.
Genome position (GRCh38, 1-based): chr12:47,985,038, C>T on the plus strand (G>A on the coding strand, the complement: COL2A1 is on the minus strand). VCF-style: chr12-47985038-C-T. GRCh37 (hg19) VCF-style: chr12-48378821-C-T.
Other names: c.1583G>A, p.Gly528Glu (NM_033150.3); short protein forms G528E, G597E.
Identifiers: ClinVar variation 2227856 (VCV002227856.2), dbSNP rs2540144667, ClinGen allele CA384550618.
Genomic context (GRCh38, chr12:47,985,038, plus strand): 5'-AGCAAATTATTACTTACGTTGGCACCTTTGGGGCCAGGGAAACCCATGACACCAGGCTGC[C>T]CACGAGCCCCCTGAGGACCTGGAGGTCCAGGACGACCATCTTCACCAGGGGCTCCCTGAA-3'
Protein context (NP_001835.3, residues 587-607): PGPPGPQGAR[Gly597Glu]QPGVMGFPGP

ClinVar aggregate classification (germline): Likely pathogenic (1 of 4 stars; one submission).

Conditions:
Inborn genetic diseases. Identifiers: MedGen C0950123, MeSH D030342.

Submission:

Ambry Genetics
Classification: Likely pathogenic for Inborn genetic diseases. Last evaluated: 2020-11-12. Review status: criteria provided, single submitter. Criteria: Ambry Variant Classification Scheme 2023. Collection method: clinical testing. Allele origin: germline.
Comment: The c.1790G>A (p.G597E) alteration is located in coding exon 27 of the COL2A1 gene. This alteration results from a G to A substitution at nucleotide position 1790, causing the glycine (G) at amino acid position 597 to be replaced by a glutamic acid (E). Based on data from the Genome Aggregation Database (gnomAD), the COL2A1 c.1790G>A alteration was not observed, with coverage at this position. The p.G597 amino acid is conserved in available vertebrate species. The p.G597 amino acid is located within the triple-helical domain of the collagen II chain, and affects one of the highly conserved glycine residues in the Gly-X-Y motif that make up this domain (Ramshaw, 1998; Barat-Houari, 2015). The p.G597E alteration is predicted to be deleterious by in silico analysis. Based on the available evidence, this alteration is classified as likely pathogenic.

Literature cited by the submitters: PubMed 9724608; PubMed 26626311.